The following is an entry in ClinVar:

NM_152703.5(SAMD9L):c.1364T>C (p.Val455Ala)

Gene: SAMD9L (sterile alpha motif domain containing 9 like; minus strand). Cytogenetic location: 7q21.2.
Variant type: single nucleotide variant.
Coding change: c.1364T>C on transcript NM_152703.5 (MANE Select); coding-DNA position 1364, T replaced by C.
Protein change: p.Val455Ala; replaces valine 455 with alanine.
Molecular consequence: missense variant.
Genome position (GRCh38, 1-based): chr7:93,134,608, A>G on the plus strand (T>C on the coding strand, the complement: SAMD9L is on the minus strand). VCF-style: chr7-93134608-A-G. GRCh37 (hg19) VCF-style: chr7-92763921-A-G.
Other names: c.1364T>C, p.Val455Ala (NM_001303496.3, NM_001303497.3, NM_001303498.3 and 5 more transcripts); c.1364T>C (NM_152703.2); short protein forms V455A.
Identifiers: ClinVar variation 1407336 (VCV001407336.10), dbSNP rs751090202, ClinGen allele CA4343737.

ClinVar aggregate classification (germline): Uncertain significance. Review status: criteria provided, multiple submitters, no conflicts (2 of 4 stars). 3 submissions from 3 submitters: Uncertain significance (3). Last evaluated 2025-03-05.

Conditions:
Ataxia-pancytopenia syndrome (ATXPC). Also called: SAMD9L-Related Syndrome; SAMD9L Ataxia-Pancytopenia Syndrome. Identifiers: Orphanet 2585, MedGen C1327919, MONDO:0008038, OMIM 159550.
Monosomy 7 myelodysplasia and leukemia syndrome 1. Also called: Familial Mosaic Monosomy 7 Syndrome; CHROMOSOME 7q DELETION; Monosomy 7 of bone marrow. Identifiers: MedGen C1854978, MONDO:0009646, OMIM 252270.
Spinocerebellar ataxia 49 (SCA49). Identifiers: Orphanet 631106, MedGen C5676950, MONDO:0030805, OMIM 619806.
Inborn genetic diseases. Identifiers: MedGen C0950123, MeSH D030342.

Allele frequency attached by ClinVar (database versions not stated): gnomAD exomes below 0.00001; ExAC 0.00001.
gnomAD v4.1: 3 of 1,613,750 alleles (0.00019%); highest among the groups gnomAD compares: Non-Finnish European, 0.00025%; no homozygotes.

Submissions (3):

Ambry Genetics
Classification: Uncertain significance for Inborn genetic diseases. Last evaluated: 2025-03-05. Review status: criteria provided, single submitter. Criteria: Ambry Variant Classification Scheme 2023. Collection method: clinical testing. Allele origin: germline.
Comment: The p.V455A variant (also known as c.1364T>C), located in coding exon 1 of the SAMD9L gene, results from a T to C substitution at nucleotide position 1364. The valine at codon 455 is replaced by alanine, an amino acid with similar properties. This amino acid position is conserved. In addition, this alteration is predicted to be tolerated by in silico analysis. Based on the available evidence, the clinical significance of this variant remains unclear.

Labcorp Genetics (formerly Invitae), Labcorp
Classification: Uncertain significance. Last evaluated: 2024-06-30. Review status: criteria provided, single submitter. Criteria: Invitae Variant Classification Sherloc (09022015). Collection method: clinical testing. Allele origin: germline.
Comment: This sequence change replaces valine, which is neutral and non-polar, with alanine, which is neutral and non-polar, at codon 455 of the SAMD9L protein (p.Val455Ala). This variant is not present in population databases (gnomAD no frequency). This variant has not been reported in the literature in individuals affected with SAMD9L-related conditions. ClinVar contains an entry for this variant (Variation ID: 1407336). Advanced modeling of protein sequence and biophysical properties (such as structural, functional, and spatial information, amino acid conservation, physicochemical variation, residue mobility, and thermodynamic stability) performed at Invitae indicates that this missense variant is not expected to disrupt SAMD9L protein function with a negative predictive value of 80%. In summary, the available evidence is currently insufficient to determine the role of this variant in disease. Therefore, it has been classified as a Variant of Uncertain Significance.

Fulgent Genetics
Classification: Uncertain significance for Ataxia-pancytopenia syndrome; Monosomy 7 myelodysplasia and leukemia syndrome 1; Spinocerebellar ataxia 49. Last evaluated: 2022-03-08. Review status: criteria provided, single submitter. Criteria: ACMG Guidelines, 2015. Collection method: clinical testing. Allele origin: unknown.